The following is an entry in ClinVar:

NM_001378454.1(ALMS1):c.11971A>G (p.Ile3991Val)

Genes: ALMS1 (ALMS1 centrosome and basal body associated protein; plus strand), LOC126806252 (BRD4-independent group 4 enhancer GRCh37_chr2:73828496-73829695; plus strand). Cytogenetic location: 2p13.1.
Variant type: single nucleotide variant.
Coding change: c.11971A>G on transcript NM_001378454.1 (MANE Select); coding-DNA position 11971, A replaced by G.
Protein change: p.Ile3991Val; replaces isoleucine 3991 with valine.
Molecular consequence: missense variant.
Genome position (GRCh38, 1-based): chr2:73,601,293, A>G. VCF-style: chr2-73601293-A-G. GRCh37 (hg19) VCF-style: chr2-73828420-A-G.
Other names: c.11974A>G, p.Ile3992Val (NM_015120.4); short protein forms I3992V, I3991V.
Identifiers: ClinVar variation 550839 (VCV000550839.14), dbSNP rs368146962, ClinGen allele CA1715396.

ClinVar aggregate classification (germline): Conflicting classifications of pathogenicity. Review status: criteria provided, conflicting classifications (1 of 4 stars). 5 submissions from 5 submitters: Uncertain significance (2); Likely benign (1). 2 of the submissions do not count toward it. Last evaluated 2026-04-14.

Conditions:
Cardiovascular phenotype. Identifiers: MedGen CN230736.
Alstrom syndrome (ALMS). Identifiers: Orphanet 64, MedGen C0268425, MONDO:0008763, OMIM 203800.

Allele frequency attached by ClinVar (database versions not stated): ExAC 0.00002; TOPMed 0.00006; gnomAD 0.00007 and 0.00008; ESP Exome Variant Server 0.00008.
gnomAD v4.1: 215 of 1,614,104 alleles (0.013%); highest among the groups gnomAD compares: Non-Finnish European, 0.017%; no homozygotes.

Submissions (5):

GeneDx
Classification: Uncertain significance. Last evaluated: 2026-04-14. Review status: criteria provided, single submitter. Criteria: GeneDx Variant Classification Process June 2021. Collection method: clinical testing. Allele origin: germline.
Comment: Not observed at significant frequency in large population cohorts (gnomAD); In silico analysis suggests that this missense variant does not alter protein structure/function; Has not been previously published as pathogenic or benign to our knowledge

Ambry Genetics
Classification: Likely benign for Cardiovascular phenotype. Last evaluated: 2024-12-13. Review status: criteria provided, single submitter. Criteria: Ambry Variant Classification Scheme 2023. Collection method: clinical testing. Allele origin: germline.

Labcorp Genetics (formerly Invitae), Labcorp
Classification: Uncertain significance for Alstrom syndrome. Last evaluated: 2022-11-01. Review status: criteria provided, single submitter. Criteria: Invitae Variant Classification Sherloc (09022015). Collection method: clinical testing. Allele origin: germline.
Comment: This sequence change replaces isoleucine, which is neutral and non-polar, with valine, which is neutral and non-polar, at codon 3992 of the ALMS1 protein (p.Ile3992Val). This variant is present in population databases (rs368146962, gnomAD 0.007%). This variant has not been reported in the literature in individuals affected with ALMS1-related conditions. ClinVar contains an entry for this variant (Variation ID: 550839). Experimental studies and prediction algorithms are not available or were not evaluated, and the functional significance of this variant is currently unknown. In summary, the available evidence is currently insufficient to determine the role of this variant in disease. Therefore, it has been classified as a Variant of Uncertain Significance.

Natera, Inc.
Classification: Uncertain significance for Alstrom syndrome. Last evaluated: 2021-03-01. Review status: no assertion criteria provided. Collection method: clinical testing. Allele origin: germline. Not counted in ClinVar's aggregate classification.

Counsyl
Classification: Uncertain significance for Alstrom syndrome. Last evaluated: 2017-02-24. Review status: no assertion criteria provided. Collection method: clinical testing. Allele origin: unknown. Not counted in ClinVar's aggregate classification.